The following is an entry in ClinVar:

NM_001142800.2(EYS):c.4901del (p.Lys1634fs)

Gene: EYS (EGF-like photoreceptor maintenance factor; minus strand). Cytogenetic location: 6q12.
Variant type: Deletion.
Coding change: c.4901del on transcript NM_001142800.2 (MANE Select); coding-DNA position 4901, one base deleted (A; older notation c.4901delA).
Protein change: p.Lys1634fs; shifts the reading frame from lysine 1634.
Molecular consequence: frameshift variant.
Genome position (GRCh38, 1-based): chr6:64,590,966, T deleted on the plus strand (A on the coding strand, the reverse complement: EYS is on the minus strand); the first of 5 consecutive T bases (chr6:64,590,966-64,590,970); deleting any one gives the same sequence. VCF-style (leftmost placement, unchanged base first): chr6-64590965-CT-C. GRCh37 (hg19) VCF-style: chr6-65300858-CT-C.
Other names: c.4901del (NM_001142800.1); c.4901del, p.Lys1634fs (NM_001292009.2); short protein forms K1634fs.
Identifiers: ClinVar variation 3594078 (VCV003594078.2).

ClinVar aggregate classification (germline): Likely pathogenic. Review status: criteria provided, multiple submitters, no conflicts (2 of 4 stars). 2 submissions from 2 submitters: Likely pathogenic (2). Last evaluated 2025-06-23.

Conditions:
Retinitis pigmentosa 25 (RP25). Identifiers: Orphanet 791, MedGen C1864446, MONDO:0011272, OMIM 602772.

Submissions (2):

Natera, Inc.
Classification: Likely pathogenic for Retinitis pigmentosa type 25. Last evaluated: 2025-06-23. Review status: criteria provided, single submitter. Criteria: Natera Variant Classification Schema (03/2026). Collection method: clinical testing. Allele origin: germline.
Comment: The c.4901del variant in EYS is a frameshift variant predicted to shift the reading frame beginning at codon 1634 and leads to a stop codon 45 codons downstream. This variant is expected to result in nonsense mediated decay, truncation, or a dysfunctional protein product. This variant is rare in the general population with a frequency below the threshold expected for the associated phenotype(s). Given the available evidence, this variant is classified as Likely Pathogenic.

Fulgent Genetics
Classification: Likely pathogenic for Retinitis pigmentosa 25. Last evaluated: 2024-04-04. Review status: criteria provided, single submitter. Criteria: ACMG Guidelines, 2015. Collection method: clinical testing. Allele origin: germline.